The following is an entry in ClinVar:

ClinVar aggregate classification (germline): Likely benign. Review status: criteria provided, multiple submitters, no conflicts (2 of 4 stars). 3 submissions from 3 submitters: Likely benign (3). Last evaluated 2026-01-07.

Conditions:
Hereditary cancer-predisposing syndrome. Also called: Neoplastic Syndromes, Hereditary; Hereditary neoplastic syndrome; Tumor predisposition; Hereditary Cancer Syndrome. Identifiers: Orphanet 140162, MedGen C0027672, MeSH D009386, MONDO:0015356.
Fanconi anemia complementation group O. Also called: RAD51C-Related Fanconi Anemia. Identifiers: Orphanet 84, MedGen C3150653, MONDO:0013248, OMIM 613390.

Allele frequency attached by ClinVar (database versions not stated): gnomAD exomes below 0.00001 and 0.00001; ExAC 0.00001.
gnomAD v4.1: 2 of 1,610,318 alleles (0.00012%); highest among the groups gnomAD compares: East Asian, 0.0045%; no homozygotes.

Submissions (3):

Labcorp Genetics (formerly Invitae), Labcorp
Classification: Likely benign for Fanconi anemia complementation group O. Last evaluated: 2026-01-07. Review status: criteria provided, single submitter. Criteria: Invitae Variant Classification Sherloc (09022015). Collection method: clinical testing. Allele origin: germline.

Color Diagnostics, LLC DBA Color Health
Classification: Likely benign for Hereditary cancer-predisposing syndrome. Last evaluated: 2018-12-11. Review status: criteria provided, single submitter. Criteria: ACMG Guidelines, 2015. Collection method: clinical testing. Allele origin: germline.

GeneDx
Classification: Likely benign. Last evaluated: 2016-08-09. Review status: criteria provided, single submitter. Criteria: GeneDx Variant Classification (06012015). Collection method: clinical testing. Allele origin: germline. Affected: yes.
Comment: This variant is considered likely benign or benign based on one or more of the following criteria: it is a conservative change, it occurs at a poorly conserved position in the protein, it is predicted to be benign by multiple in silico algorithms, and/or has population frequency not consistent with disease.

NM_058216.3(RAD51C):c.572-11T>G

Gene: RAD51C (RAD51 paralog C; plus strand). Cytogenetic location: 17q22.
Variant type: single nucleotide variant.
Coding change: c.572-11T>G on transcript NM_058216.3 (MANE Select); 11 bases into the intron before coding-DNA position 572, T replaced by G.
Molecular consequence: intron variant.
Genome position (GRCh38, 1-based): chr17:58,703,185, T>G. VCF-style: chr17-58703185-T-G. GRCh37 (hg19) VCF-style: chr17-56780546-T-G.
Other names: c.572-11T>G (LRG_314t1).
Identifiers: ClinVar variation 388546 (VCV000388546.11), dbSNP rs746890699, ClinGen allele CA8677277.